The following is an entry in ClinVar:

ClinVar aggregate classification (germline): Likely pathogenic (1 of 4 stars; one submission).

Conditions:
Autosomal dominant familial hematuria-retinal arteriolar tortuosity-contractures syndrome. Also called: Angiopathy, hereditary, with nephropathy, aneurysms, and muscle cramps; Hereditary Angiopathy with Nephropathy, Aneurysms, and Muscle Cramps (HANAC) Syndrome. Identifiers: Orphanet 73229, MedGen C2673195, MONDO:0012726, OMIM 611773.

Submission:

Undiagnosed Diseases Network, NIH
Classification: Likely pathogenic for Autosomal dominant familial hematuria-retinal arteriolar tortuosity-contractures syndrome. Last evaluated: 2022-01-06. Review status: criteria provided, single submitter. Criteria: ACMG Guidelines, 2015. Collection method: clinical testing. Allele origin: unknown. Inheritance: Autosomal dominant inheritance. Affected: yes. Observed: 1 variant allele, 1 heterozygote. Study: Undiagnosed Diseases Network (NIH), UDN.
Comment: This variant is likely pathogenic and the condition is consistent with the individual's phenotype.

NM_001845.6(COL4A1):c.4357C>T (p.Gln1453Ter)

Gene: COL4A1 (collagen type IV alpha 1 chain; minus strand). Cytogenetic location: 13q34.
Variant type: single nucleotide variant.
Coding change: c.4357C>T on transcript NM_001845.6 (MANE Select); coding-DNA position 4357, C replaced by T.
Protein change: p.Gln1453Ter; replaces glutamine 1453 with a stop codon.
Molecular consequence: nonsense.
Genome position (GRCh38, 1-based): chr13:110,162,335, G>A on the plus strand (C>T on the coding strand, the complement: COL4A1 is on the minus strand). VCF-style: chr13-110162335-G-A. GRCh37 (hg19) VCF-style: chr13-110814682-G-A.
Other names: p.Q1453*; short protein forms Q1453*.
Identifiers: ClinVar variation 1342140 (VCV001342140.3), dbSNP rs2139146179, ClinGen allele CA388658155.